The following is an entry in ClinVar:

ClinVar aggregate classification (germline): Uncertain significance (1 of 4 stars; one submission).

Allele frequency attached by ClinVar (database versions not stated): gnomAD exomes 0.00001; TOPMed 0.00001; gnomAD 0.00005; 1000 Genomes Project 30x 0.00078; 1000 Genomes Project 0.00100.
gnomAD v4.1: 20 of 1,609,674 alleles (0.0012%); highest among the groups gnomAD compares: East Asian, 0.045%; no homozygotes.

Submission:

Labcorp Genetics (formerly Invitae), Labcorp
Classification: Uncertain significance. Last evaluated: 2022-04-10. Review status: criteria provided, single submitter. Criteria: Invitae Variant Classification Sherloc (09022015). Collection method: clinical testing. Allele origin: germline.
Comment: This sequence change replaces valine, which is neutral and non-polar, with isoleucine, which is neutral and non-polar, at codon 63 of the FNIP1 protein (p.Val63Ile). This variant is present in population databases (rs547134763, gnomAD 0.04%). This variant has not been reported in the literature in individuals affected with FNIP1-related conditions. Algorithms developed to predict the effect of missense changes on protein structure and function (SIFT, PolyPhen-2, Align-GVGD) all suggest that this variant is likely to be tolerated. In summary, the available evidence is currently insufficient to determine the role of this variant in disease. Therefore, it has been classified as a Variant of Uncertain Significance.

NM_133372.3(FNIP1):c.187G>A (p.Val63Ile)

Gene: FNIP1 (folliculin interacting protein 1; minus strand). Cytogenetic location: 5q31.1.
Variant type: single nucleotide variant.
Coding change: c.187G>A on transcript NM_133372.3 (MANE Select); coding-DNA position 187, G replaced by A.
Protein change: p.Val63Ile; replaces valine 63 with isoleucine.
Molecular consequence: missense variant.
Genome position (GRCh38, 1-based): chr5:131,744,596, C>T on the plus strand (G>A on the coding strand, the complement: FNIP1 is on the minus strand). VCF-style: chr5-131744596-C-T. GRCh37 (hg19) VCF-style: chr5-131080289-C-T.
Other names: c.187G>A, p.Val63Ile (NM_001008738.3, NM_001346113.2, NM_001346114.2); short protein forms V63I.
Identifiers: ClinVar variation 2200855 (VCV002200855.1), dbSNP rs547134763, ClinGen allele CA127836216.